The following is an entry in ClinVar:

NM_003098.3(SNTA1):c.215C>T (p.Ala72Val)

Gene: SNTA1 (syntrophin alpha 1; minus strand). Cytogenetic location: 20q11.21.
Variant type: single nucleotide variant.
Coding change: c.215C>T on transcript NM_003098.3 (MANE Select); coding-DNA position 215, C replaced by T.
Protein change: p.Ala72Val; replaces alanine 72 with valine.
Molecular consequence: missense variant.
Genome position (GRCh38, 1-based): chr20:33,443,406, G>A on the plus strand (C>T on the coding strand, the complement: SNTA1 is on the minus strand). VCF-style: chr20-33443406-G-A. GRCh37 (hg19) VCF-style: chr20-32031212-G-A.
Other names: c.215C>T, p.Ala72Val (NM_001424413.1, NM_001424414.1); short protein forms A72V.
Identifiers: ClinVar variation 3223115 (VCV003223115.1), dbSNP rs2515129944, ClinGen allele CA408634150.
Genomic context (GRCh38, chr20:33,443,406, plus strand): 5'-TTGCGCACCGTCACGCGGCGCCGCTGGAGCAGTAGCGCCTCTGGCAGCTGCGGGGGCCCG[G>A]CGCCCGGCTCCGCGGCGCCGTTGAGCTGCGCGGGCTCCTGCTCCCGCGGAGCGCCGGGCT-3'
Protein context (NP_003089.1, residues 62-82): AQLNGAAEPG[Ala72Val]GPPQLPEALL

ClinVar aggregate classification (germline): Uncertain significance (1 of 4 stars; one submission).

Conditions:
Cardiovascular phenotype. Identifiers: MedGen CN230736.

Submission:

Ambry Genetics
Classification: Uncertain significance for Cardiovascular phenotype. Last evaluated: 2023-09-30. Review status: criteria provided, single submitter. Criteria: Ambry Variant Classification Scheme 2023. Collection method: clinical testing. Allele origin: germline.
Comment: The p.A72V variant (also known as c.215C>T), located in coding exon 1 of the SNTA1 gene, results from a C to T substitution at nucleotide position 215. The alanine at codon 72 is replaced by valine, an amino acid with similar properties. This amino acid position is conserved. In addition, this alteration is predicted to be tolerated by in silico analysis. Since supporting evidence is limited at this time, the clinical significance of this alteration remains unclear.